The following is an entry in ClinVar:

ClinVar aggregate classification (germline): Likely pathogenic (1 of 4 stars; one submission).

Conditions:
Glycogen storage disease IXa1. Also called: LIVER GLYCOGENOSIS, X-LINKED, TYPE I; Glycogen storage disease 8; GLYCOGEN STORAGE DISEASE VIII; GSD VIII. Identifiers: Orphanet 264580, MedGen C3694531, MONDO:0010598, OMIM 306000.

Submission:

Labcorp Genetics (formerly Invitae), Labcorp
Classification: Likely pathogenic for Glycogen storage disease IXa1. Last evaluated: 2025-10-08. Review status: criteria provided, single submitter. Criteria: Invitae Variant Classification Sherloc (09022015). Collection method: clinical testing. Allele origin: germline.
Comment: This sequence change affects an acceptor splice site in intron 9 of the PHKA2 gene. It is expected to disrupt RNA splicing. Variants that disrupt the donor or acceptor splice site typically lead to a loss of protein function (PMID: 16199547), and loss-of-function variants in PHKA2 are known to be pathogenic (PMID: 7711737, 10330341). This variant is not present in population databases (gnomAD no frequency). This variant has not been reported in the literature in individuals affected with PHKA2-related conditions. ClinVar contains an entry for this variant (Variation ID: 1522514). Algorithms developed to predict the effect of sequence changes on RNA splicing suggest that this variant may disrupt the consensus splice site. In summary, the currently available evidence indicates that the variant is pathogenic, but additional data are needed to prove that conclusively. Therefore, this variant has been classified as Likely Pathogenic.

Literature cited by the submitters: PubMed 16199547; PubMed 7711737; PubMed 10330341.

NM_000292.3(PHKA2):c.919-2A>G

Gene: PHKA2 (phosphorylase kinase regulatory subunit alpha 2; minus strand). Cytogenetic location: Xp22.13.
Variant type: single nucleotide variant.
Coding change: c.919-2A>G on transcript NM_000292.3 (MANE Select); the canonical splice acceptor site of the intron before coding-DNA position 919, A replaced by G.
Molecular consequence: splice acceptor variant.
Genome position (GRCh38, 1-based): chrX:18,938,751, T>C on the plus strand (A>G on the coding strand, the complement: PHKA2 is on the minus strand). VCF-style: chrX-18938751-T-C. GRCh37 (hg19) VCF-style: chrX-18956869-T-C.
Identifiers: ClinVar variation 1522514 (VCV001522514.8), dbSNP rs2147954334, ClinGen allele CA412396991.
Genomic context (GRCh38, chrX:18,938,751, plus strand): 5'-CATTCAATGTTTTCGAAGAGCTTGAGTTCAGCAGGGTCATAATGCAGTCGATTAGGGTCC[T>C]AGAATCAAATAAGTCAAACTTTTAAAAGGTGATGTCAGAATACATACATAATACCATTGT-3'